The following is an entry in ClinVar:

NM_000059.4(BRCA2):c.217del (p.Gln73fs)

Gene: BRCA2 (BRCA2 DNA repair associated; plus strand). Cytogenetic location: 13q13.1.
Variant type: Deletion.
Coding change: c.217del on transcript NM_000059.4 (MANE Select); coding-DNA position 217, one base deleted (C; older notation c.217delC).
Protein change: p.Gln73fs; shifts the reading frame from glutamine 73.
Molecular consequence: frameshift variant.
Genome position (GRCh38, 1-based): chr13:32,319,226, C deleted. VCF-style (leftmost placement, unchanged base first): chr13-32319225-TC-T. GRCh37 (hg19) VCF-style: chr13-32893362-TC-T.
Other names: c.217delC (NM_000059.3); short protein forms Q73fs.
Identifiers: ClinVar variation 481567 (VCV000481567.5), dbSNP rs1555280383, ClinGen allele CA658656334.

ClinVar aggregate classification (germline): Pathogenic (1 of 4 stars; one submission).

Conditions:
Hereditary cancer-predisposing syndrome. Also called: Neoplastic Syndromes, Hereditary; Tumor predisposition; Hereditary Cancer Syndrome; Hereditary neoplastic syndrome. Identifiers: Orphanet 140162, MedGen C0027672, MeSH D009386, MONDO:0015356.

Submission:

Ambry Genetics
Classification: Pathogenic for Hereditary cancer-predisposing syndrome. Last evaluated: 2016-08-03. Review status: criteria provided, single submitter. Criteria: Ambry Variant Classification Scheme 2023. Collection method: clinical testing. Allele origin: germline.
Comment: The c.217delC pathogenic mutation, located in coding exon 2 of the BRCA2 gene, results from a deletion of one nucleotide at position 217, causing a translational frameshift with a predicted alternate stop codon. This alteration is expected to result in loss of function by premature protein truncation or nonsense-mediated mRNA decay. As such, this alteration is interpreted as a disease-causing mutation.